The following is an entry in ClinVar:

NM_021815.5(SLC5A7):c.587T>C (p.Phe196Ser)

Gene: SLC5A7 (solute carrier family 5 member 7; plus strand). Cytogenetic location: 2q12.3.
Variant type: single nucleotide variant.
Coding change: c.587T>C on transcript NM_021815.5 (MANE Select); coding-DNA position 587, T replaced by C.
Protein change: p.Phe196Ser; replaces phenylalanine 196 with serine.
Molecular consequence: missense variant. On other transcripts: 5 prime UTR variant (1).
Genome position (GRCh38, 1-based): chr2:107,997,976, T>C. VCF-style: chr2-107997976-T-C. GRCh37 (hg19) VCF-style: chr2-108614432-T-C.
Other names: c.587T>C, p.Phe196Ser (NM_001305005.3); c.272T>C, p.Phe91Ser (NM_001305006.3); c.-118T>C (NM_001305007.3); short protein forms F196S, F91S.
Identifiers: ClinVar variation 4881881 (VCV004881881.2).
Genomic context (GRCh38, chr2:107,997,976, plus strand): 5'-CACTGGTGGGAGGGCTCTATTCTGTGGCCTACACTGATGTCGTTCAGCTCTTTTGCATTT[T>C]TGTAGGGCTGGTAAGTGGGAGCACCCAAGATTCTCCTCCTTTTTTTCTGTAAAAGGTAAT-3'
Protein context (NP_068587.1, residues 186-206): YTDVVQLFCI[Phe196Ser]VGLWISVPFA

ClinVar aggregate classification (germline): Uncertain significance (1 of 4 stars; one submission).

Conditions:
Neuronopathy, distal hereditary motor, type 7A. Also called: HARPER-YOUNG MYOPATHY; HMN VIIA; SPINAL MUSCULAR ATROPHY, DISTAL, WITH VOCAL CORD PARALYSIS; Neuronopathy, distal hereditary motor, type viia; NEURONOPATHY, DISTAL HEREDITARY MOTOR, HARDING TYPE VIIA; NEUROPATHY, DISTAL HEREDITARY MOTOR, HARDING TYPE VIIA. Identifiers: Orphanet 139589, MedGen C1834703, MONDO:0008024, OMIM 158580.

Submission:

Dasa
Classification: Uncertain significance for Neuronopathy, distal hereditary motor, type 7A. Last evaluated: 2025-11-07. Review status: criteria provided, single submitter. Criteria: DASA Assertion Criteria. Collection method: clinical testing. Allele origin: germline.
Comment: NM_021815.5(SLC5A7):c.587T>C (p.Phe196Ser) is a missense variant that results in the substitution of phenylalanine with serine. This variant is rare in population databases. Computational prediction algorithms are consistent with a deleterious effect. The currently available literature and clinical evidence are not sufficient to establish a definitive association between this variant and the reported condition. Therefore, this variant is classified as a variant of uncertain significance.